The following is an entry in ClinVar:

NM_001378969.1(KCND3):c.443T>C (p.Met148Thr)

Gene: KCND3 (potassium voltage-gated channel subfamily D member 3; minus strand). Cytogenetic location: 1p13.2.
Variant type: single nucleotide variant.
Coding change: c.443T>C on transcript NM_001378969.1 (MANE Select); coding-DNA position 443, T replaced by C.
Protein change: p.Met148Thr; replaces methionine 148 with threonine.
Molecular consequence: missense variant.
Genome position (GRCh38, 1-based): chr1:111,982,284, A>G on the plus strand (T>C on the coding strand, the complement: KCND3 is on the minus strand). VCF-style: chr1-111982284-A-G. GRCh37 (hg19) VCF-style: chr1-112524906-A-G.
Other names: c.443T>C, p.Met148Thr (NM_001378970.1, NM_004980.5, NM_172198.3); short protein forms M148T.
Identifiers: ClinVar variation 3532199 (VCV003532199.1).

ClinVar aggregate classification (germline): Uncertain significance (1 of 4 stars; one submission).

Conditions:
Cardiovascular phenotype. Identifiers: MedGen CN230736.

Submission:

Ambry Genetics
Classification: Uncertain significance for Cardiovascular phenotype. Last evaluated: 2024-09-08. Review status: criteria provided, single submitter. Criteria: Ambry Variant Classification Scheme 2023. Collection method: clinical testing. Allele origin: germline.
Comment: The p.M148T variant (also known as c.443T>C), located in coding exon 1 of the KCND3 gene, results from a T to C substitution at nucleotide position 443. The methionine at codon 148 is replaced by threonine, an amino acid with similar properties. This amino acid position is conserved. In addition, the in silico prediction for this alteration is inconclusive. Based on the available evidence, the clinical significance of this variant remains unclear.